The following is an entry in ClinVar:

NM_004415.4(DSP):c.5504A>C (p.Glu1835Ala)

Gene: DSP (desmoplakin; plus strand). Cytogenetic location: 6p24.3.
Variant type: single nucleotide variant.
Coding change: c.5504A>C on transcript NM_004415.4 (MANE Select); coding-DNA position 5504, A replaced by C.
Protein change: p.Glu1835Ala; replaces glutamic acid 1835 with alanine.
Molecular consequence: missense variant.
Genome position (GRCh38, 1-based): chr6:7,582,766, A>C. VCF-style: chr6-7582766-A-C. GRCh37 (hg19) VCF-style: chr6-7582999-A-C.
Other names: c.3707A>C, p.Glu1236Ala (NM_001008844.3); c.4175A>C, p.Glu1392Ala (NM_001319034.2); short protein forms E1236A, E1392A, E1835A.
Identifiers: ClinVar variation 3376640 (VCV003376640.1).
Genomic context (GRCh38, chr6:7,582,766, plus strand): 5'-TTCTGGTGAAAATCAAAGTCCTGGAGCAAGACAAGGCAAGGCTGCAGAGGCTGGAGGATG[A>C]GCTGAATCGTGCAAAATCAACTCTAGAGGCAGAAACCAGGGTGAAACAGCGCCTGGAGTG-3'
Protein context (NP_004406.2, residues 1825-1845): DKARLQRLED[Glu1835Ala]LNRAKSTLEA

ClinVar aggregate classification (germline): Uncertain significance (1 of 4 stars; one submission).

Conditions:
Arrhythmogenic right ventricular dysplasia 8 (ARVD8). Also called: ARRHYTHMOGENIC RIGHT VENTRICULAR DYSPLASIA, FAMILIAL, 8; ARRHYTHMOGENIC RIGHT VENTRICULAR CARDIOMYOPATHY 8; Arrhythmogenic Right Ventricular Dysplasia/Cardiomyopathy 8. Identifiers: MedGen C1843896, MONDO:0011831, OMIM 607450.

Submission:

Victorian Clinical Genetics Services, Murdoch Childrens Research Institute
Classification: Uncertain significance for Arrhythmogenic right ventricular dysplasia 8. Last evaluated: 2022-09-02. Review status: criteria provided, single submitter. Criteria: ACMG Guidelines, 2015. Collection method: clinical testing. Allele origin: germline. Inheritance: Autosomal dominant inheritance. Affected: yes.
Comment: Based on the classification scheme VCGS_Germline_v1.3.4, this variant is classified as VUS-3B. Following criteria are met: 0102 - Loss of function is a known mechanism of disease in this gene and is associated with ARVD (MIM#607450) and other DSP-related cardiac disorders. (I) 0108 - This gene is associated with both recessive and dominant disease. Variants in this gene are usually inherited in a dominant manner, however rare reports of recessive inheritance have resulted in a more severe cardiac phenotype (OMIM). (I) 0115 - Variants in this gene are known to have variable expressivity. Age-dependent penetrance and variable expressivity are well-described aspects of arrhythmogenic cardiomyopathy (PMID: 29062697). (I) 0200 - Variant is predicted to result in a missense amino acid change from glutamic acid to alanine. (I) 0251 - This variant is heterozygous. (I) 0301 - Variant is absent from gnomAD (both v2 and v3). (SP) 0501 - Missense variant consistently predicted to be damaging by multiple in silico tools or highly conserved with a major amino acid change. (SP) 0604 - Variant is not located in an established domain, motif, hotspot or informative constraint region. (I) 0705 - No comparable missense variants have previous evidence for pathogenicity. (I) 0807 - This variant has no previous evidence of pathogenicity. (I) 0905 - No published segregation evidence has been identified for this variant. (I) 1007 - No published functional evidence has been identified for this variant. (I) Legend: (SP) - Supporting pathogenic, (I) - Information, (SB) - Supporting benign

Literature cited by the submitters: PubMed 29062697.